The following is an entry in ClinVar:

ClinVar aggregate classification (germline): Benign/Likely benign. Review status: criteria provided, multiple submitters, no conflicts (2 of 4 stars). 2 submissions from 2 submitters: Benign (1); Likely benign (1). Last evaluated 2026-01-24.

Conditions:
Duchenne muscular dystrophy (DMD). Also called: MUSCULAR DYSTROPHY, PSEUDOHYPERTROPHIC PROGRESSIVE, DUCHENNE TYPE; Duchenne Muscular Dystrophy (DMD). Identifiers: Orphanet 98896, MedGen C0013264, MONDO:0010679, OMIM 310200.

Allele frequency attached by ClinVar (database versions not stated): gnomAD exomes 0.00001 and 0.00004; gnomAD 0.00003; ExAC 0.00004; TOPMed 0.00004.
gnomAD v4.1: 13 of 1,196,391 alleles (0.0011%); highest among the groups gnomAD compares: Admixed American, 0.0068%; no homozygotes.

Submissions (2):

Labcorp Genetics (formerly Invitae), Labcorp
Classification: Benign for Duchenne muscular dystrophy. Last evaluated: 2026-01-24. Review status: criteria provided, single submitter. Criteria: Invitae Variant Classification Sherloc (09022015). Collection method: clinical testing. Allele origin: germline.

GeneDx
Classification: Likely benign. Last evaluated: 2018-04-09. Review status: criteria provided, single submitter. Criteria: GeneDx Variant Classification (06012015). Collection method: clinical testing. Allele origin: germline. Affected: yes.
Comment: This variant is considered likely benign or benign based on one or more of the following criteria: it is a conservative change, it occurs at a poorly conserved position in the protein, it is predicted to be benign by multiple in silico algorithms, and/or has population frequency not consistent with disease.

NM_004006.3(DMD):c.8391-18G>A

Gene: DMD (dystrophin; minus strand). Cytogenetic location: Xp21.2.
Variant type: single nucleotide variant.
Coding change: c.8391-18G>A on transcript NM_004006.3 (MANE Select); 18 bases into the intron before coding-DNA position 8391, G replaced by A.
Molecular consequence: intron variant.
Genome position (GRCh38, 1-based): chrX:31,496,962, C>T on the plus strand (G>A on the coding strand, the complement: DMD is on the minus strand). VCF-style: chrX-31496962-C-T. GRCh37 (hg19) VCF-style: chrX-31515079-C-T.
Other names: c.8367-18G>A (NM_000109.4); c.4368-18G>A (NM_004011.4); c.4359-18G>A (NM_004012.4); c.1011-18G>A (NM_004023.3, NM_004020.4, NM_004022.3 and 2 more transcripts); c.204-18G>A (NM_004014.3); c.8379-18G>A (NM_004009.3); c.8022-18G>A (NM_004010.3).
Identifiers: ClinVar variation 681682 (VCV000681682.9), dbSNP rs760415449, ClinGen allele CA10378074.
Genomic context (GRCh38, chrX:31,496,962, plus strand): 5'-GTGCAGACGCTTCCACTGGTCAGAACTGGCTTCCAAATGGGACCTGAAAAAGAACAGCAG[C>T]GTACCATGTCAGAATATCTAGAAGTGTAATTGATGATTCTAACAATTCCATTGAAAAAGT-3'